The following is an entry in ClinVar:

ClinVar aggregate classification (germline): Uncertain significance (1 of 4 stars; one submission).

Conditions:
Takenouchi-Kosaki syndrome. Also called: MACROTHROMBOCYTOPENIA AND MENTAL RETARDATION SYNDROME; Macrothrombocytopenia-lymphedema-developmental delay-facial dysmorphism-camptodactyly syndrome. Identifiers: Orphanet 487796, MedGen C4225222, MONDO:0014757, OMIM 616737.

Submission:

3billion
Classification: Uncertain significance for Takenouchi-Kosaki syndrome. Last evaluated: 2024-10-10. Review status: criteria provided, single submitter. Criteria: ACMG Guidelines, 2015. Collection method: clinical testing. Allele origin: germline. Affected: yes.
Comment: The variant is not observed in the gnomAD v4.1.0 dataset. Predicted Consequence/Location: Missense variant. Missense changes are a common disease-causing mechanism. In silico tool predictions suggest damaging effect of the variant on gene or gene product [REVEL: 0.89 (>=0.6, sensitivity 0.68 and specificity 0.92); 3Cnet: 0.85 (>=0.6, sensitivity 0.72 and precision 0.9)]. Therefore, this variant is classified as VUS according to the recommendation of ACMG/AMP guideline.

NM_001791.4(CDC42):c.74C>T (p.Thr25Ile)

Gene: CDC42 (cell division cycle 42; plus strand). Cytogenetic location: 1p36.12.
Variant type: single nucleotide variant.
Coding change: c.74C>T on transcript NM_001791.4 (MANE Select); coding-DNA position 74, C replaced by T.
Protein change: p.Thr25Ile; replaces threonine 25 with isoleucine.
Molecular consequence: missense variant.
Genome position (GRCh38, 1-based): chr1:22,078,552, C>T. VCF-style: chr1-22078552-C-T. GRCh37 (hg19) VCF-style: chr1-22405045-C-T.
Other names: c.74C>T, p.Thr25Ile (NM_001039802.2, NM_044472.3); short protein forms T25I.
Identifiers: ClinVar variation 4293399 (VCV004293399.1).